The following is an entry in ClinVar:

NM_001040108.2(MLH3):c.4249C>T (p.Pro1417Ser)

Gene: MLH3 (mutL homolog 3; minus strand). Cytogenetic location: 14q24.3.
Variant type: single nucleotide variant.
Coding change: c.4249C>T on transcript NM_001040108.2 (MANE Select); coding-DNA position 4249, C replaced by T.
Protein change: p.Pro1417Ser; replaces proline 1417 with serine.
Molecular consequence: missense variant.
Genome position (GRCh38, 1-based): chr14:75,017,195, G>A on the plus strand (C>T on the coding strand, the complement: MLH3 is on the minus strand). VCF-style: chr14-75017195-G-A. GRCh37 (hg19) VCF-style: chr14-75483898-G-A.
Other names: c.4177C>T, p.Pro1393Ser (NM_014381.3); short protein forms P1393S, P1417S.
Identifiers: ClinVar variation 3295156 (VCV003295156.1).

ClinVar aggregate classification (germline): Uncertain significance (1 of 4 stars; one submission).

Submission:

Ambry Genetics
Classification: Uncertain significance. Last evaluated: 2024-05-31. Review status: criteria provided, single submitter. Criteria: Ambry Variant Classification Scheme 2023. Collection method: clinical testing. Allele origin: germline.
Comment: The p.P1417S variant (also known as c.4249C>T), located in coding exon 12 of the MLH3 gene, results from a C to T substitution at nucleotide position 4249. The proline at codon 1417 is replaced by serine, an amino acid with similar properties. This amino acid position is conserved. In addition, the in silico prediction for this alteration is inconclusive. Based on the available evidence, the clinical significance of this variant remains unclear.